The following is an entry in ClinVar:

NM_002880.4(RAF1):c.1082G>C (p.Gly361Ala)

Gene: RAF1 (Raf-1 proto-oncogene, serine/threonine kinase; minus strand). Cytogenetic location: 3p25.2.
Variant type: single nucleotide variant.
Coding change: c.1082G>C on transcript NM_002880.4 (MANE Select); coding-DNA position 1082, G replaced by C.
Protein change: p.Gly361Ala; replaces glycine 361 with alanine.
Molecular consequence: missense variant. On other transcripts: non-coding transcript variant (3).
Genome position (GRCh38, 1-based): chr3:12,599,717, C>G on the plus strand (G>C on the coding strand, the complement: RAF1 is on the minus strand). VCF-style: chr3-12599717-C-G. GRCh37 (hg19) VCF-style: chr3-12641216-C-G.
Other names: p.G361A:GGA>GCA; NM_002880.3(RAF1):c.1082G>C; c.1142G>C, p.Gly381Ala (NM_001354689.3); c.1082G>C, p.Gly361Ala (NM_001354690.3); c.839G>C, p.Gly280Ala (NM_001354691.3, NM_001354692.3); c.983G>C, p.Gly328Ala (NM_001354693.3); c.899G>C, p.Gly300Ala (NM_001354694.3); c.740G>C, p.Gly247Ala (NM_001354695.3); short protein forms G361A, G381A, G247A, G280A, G328A, G300A.
Identifiers: ClinVar variation 40613 (VCV000040613.25), dbSNP rs397516813, ClinGen allele CA134687.
Genomic context (GRCh38, chr3:12,599,717, plus strand): 5'-CCTGCAGTTAGTAAAGGGAGGGCCCCAAGCTTACCGTGCCATTTACCCTTATAAACAGTT[C>G]CAAAAGAGCCTGACCCAATCCGAGTGGACAGCATCACTTCACTGGCTTCTATTTCCCAAT-3'
Protein context (NP_002871.1, residues 351-371): LSTRIGSGSF[Gly361Ala]TVYKGKWHGD

ClinVar aggregate classification (germline): Pathogenic. Review status: reviewed by expert panel (3 of 4 stars). 9 submissions from 9 submitters: Pathogenic (1). 8 of the submissions do not count toward it. Last evaluated 2017-04-03.

Conditions:
Noonan syndrome (NS). Also called: Noonan's syndrome. Identifiers: Orphanet 648, MedGen C0028326, MeSH D009634, MONDO:0018997. Disease mechanism: gain of function.
Noonan syndrome 5 (NS5). Also called: RAF1-Related Noonan Syndrome. Identifiers: Orphanet 648, MedGen C1969057, MONDO:0012690, OMIM 611553. Disease mechanism: gain of function.
LEOPARD syndrome 2 (LPRD2). Also called: RAF1-Related LEOPARD Syndrome. Identifiers: Orphanet 500, MedGen C1969056, MONDO:0012691, OMIM 611554.
RASopathy. Also called: rasopathies; Noonan spectrum disorder. Identifiers: Orphanet 536391, MedGen C5555857, MONDO:0021060.

Submissions (9):

ClinGen RASopathy Variant Curation Expert Panel
Classification: Pathogenic for Noonan syndrome and Noonan-related syndrome. Last evaluated: 2017-04-03. Review status: reviewed by expert panel. Criteria: ClinGen RASopathy ACMG Specifications v1. Collection method: curation. Allele origin: germline. Inheritance: Autosomal dominant inheritance.
Comment: The c.1082G>C (p.Gly361Ala) variant in RAF1 has been reported in the literature in at least 2 unconfirmed de novo occurrences in patients with clinical features of a RASopathy (PM6_Strong; GeneDx, Institute of Human Genetics, Otto von Guericke University Magdeburg internal data; GTR ID's: 26957, 506381 ClinVar SCV000209024.9). The p.Gly361Ala variant has been identified in at least 4 independent occurrences in patients with a RASopathy (PS4_Moderate; GeneDx, Partners LMM, Institute of Human Genetics, Otto von Guericke University Magdeburg internal data; GTR ID's: 26957, 21766, 506381; SCV000209024.9, SCV000061333.5). This variant was absent from large population studies (PM2; ExAC). The variant is located in the RAF1 gene, which has been defined by the ClinGen RASopathy Expert Panel as a gene with a low rate of benign missense variants and pathogenic missense variants are common (PP2; PMID: 29493581). Computational prediction tools and conservation analysis suggest that the p.Gly361Ala variant may impact the protein (PP3). In summary, this variant meets criteria to be classified as likely pathogenic for RASopathies in an autosomal dominant manner. RASopathy-specific ACMG/AMP criteria applied (PMID:29493581): PM6_Strong, PS4_Moderate, PM2, PP2, PP3.

3billion
Classification: Pathogenic for Noonan syndrome 5. Last evaluated: 2025-08-08. Review status: criteria provided, single submitter. Criteria: ACMG Guidelines, 2015. Collection method: clinical testing. Allele origin: germline. Affected: yes. Not counted in ClinVar's aggregate classification.
Comment: The variant is not observed in the gnomAD v4.1.0 dataset. Predicted Consequence/Location: Missense variant. Missense changes are a common disease-causing mechanism. In silico tool predictions suggest damaging effect of the variant on gene or gene product [REVEL: 0.92 (>=0.6, sensitivity 0.68 and specificity 0.92); 3Cnet: 0.99 (> 0.75, sensitivity 0.96 and precision 0.92)]. The same nucleotide change resulting in the same amino acid change has been previously reported as pathogenic/likely pathogenic with strong evidence (ClinVar ID: VCV000040613). The variant has been previously reported as assumed (i.e. paternity and maternity not confirmed) de novo in at least two similarly affected unrelated individuals (PMID: 29271604). Therefore, this variant is classified as Pathogenic according to the recommendation of ACMG/AMP guideline.

GeneDx
Classification: Pathogenic. Last evaluated: 2023-02-03. Review status: criteria provided, single submitter. Criteria: GeneDx Variant Classification Process June 2021. Collection method: clinical testing. Allele origin: germline. Affected: yes. Not counted in ClinVar's aggregate classification.
Comment: Published functional studies demonstrate a damaging effect: substantially reduced kinase activity and reduced binding of RAF1 to Cdc37 (Zhao et al., 2004); Not observed at significant frequency in large population cohorts (gnomAD); Missense variants in this gene are often considered pathogenic (HGMD); This variant is associated with the following publications: (PMID: 34758253, 29493581, 35770001, 14701845, 29271604, 29051493)

Labcorp Genetics (formerly Invitae), Labcorp
Classification: Pathogenic for RASopathy. Last evaluated: 2022-07-14. Review status: criteria provided, single submitter. Criteria: Invitae Variant Classification Sherloc (09022015). Collection method: clinical testing. Allele origin: germline. Not counted in ClinVar's aggregate classification.
Comment: This sequence change replaces glycine, which is neutral and non-polar, with alanine, which is neutral and non-polar, at codon 361 of the RAF1 protein (p.Gly361Ala). This variant is not present in population databases (gnomAD no frequency). This missense change has been observed in individual(s) with clinical features of RAF1-related conditions (PMID: 29271604; Invitae). In at least one individual the variant was observed to be de novo. ClinVar contains an entry for this variant (Variation ID: 40613). Advanced modeling of protein sequence and biophysical properties (such as structural, functional, and spatial information, amino acid conservation, physicochemical variation, residue mobility, and thermodynamic stability) performed at Invitae indicates that this missense variant is expected to disrupt RAF1 protein function. Experimental studies are conflicting or provide insufficient evidence to determine the effect of this variant on RAF1 function (PMID: 14701845, 23737487). For these reasons, this variant has been classified as Pathogenic.

Mendelics
Classification: Likely pathogenic for LEOPARD syndrome 2. Last evaluated: 2019-05-28. Review status: criteria provided, single submitter. Criteria: Mendelics Assertion Criteria 2017. Collection method: clinical testing. Allele origin: unknown. Not counted in ClinVar's aggregate classification.

Laboratory for Molecular Medicine, Mass General Brigham Personalized Medicine
Classification: Likely pathogenic for Noonan syndrome. Last evaluated: 2016-02-17. Review status: criteria provided, single submitter. Criteria: LMM Criteria. Collection method: clinical testing. Allele origin: germline. Observed: 1 variant allele. Not counted in ClinVar's aggregate classification.
Comment: proposed classification - variant undergoing re-assessment, contact laboratory

Clinical Genetics DNA and cytogenetics Diagnostics Lab, Erasmus MC, Erasmus Medical Center
Classification: Likely pathogenic. Review status: no assertion criteria provided. Collection method: clinical testing. Allele origin: germline. Affected: yes. Study: VKGL Data-share Consensus. Not counted in ClinVar's aggregate classification.

Genomics England Pilot Project, Genomics England
Classification: Pathogenic for Noonan syndrome 5. Review status: no assertion criteria provided. Criteria: ACGS Guidelines, 2016. Collection method: clinical testing. Allele origin: germline. Affected: yes. Not counted in ClinVar's aggregate classification.

Joint Genome Diagnostic Labs from Nijmegen and Maastricht, Radboudumc and MUMC+
Classification: Pathogenic. Review status: no assertion criteria provided. Collection method: clinical testing. Allele origin: germline. Affected: yes. Study: VKGL Data-share Consensus. Not counted in ClinVar's aggregate classification.

Literature cited by the submitters: PubMed 29271604 (cited by 3billion and Labcorp Genetics (formerly Invitae), Labcorp); PubMed 14701845 (cited by Labcorp Genetics (formerly Invitae), Labcorp); PubMed 23737487 (cited by Labcorp Genetics (formerly Invitae), Labcorp).